The following is an entry in ClinVar:

ClinVar aggregate classification (germline): Uncertain significance (1 of 4 stars; one submission).

Submission:

Greenwood Genetic Center Diagnostic Laboratories, Greenwood Genetic Center
Classification: Uncertain significance. Last evaluated: 2022-01-26. Review status: criteria provided, single submitter. Criteria: ACMG Guidelines, 2015. Collection method: clinical testing. Allele origin: germline. Affected: yes.
Comment: Gene of Uncertain Significance

NM_001007527.2(LMBRD2):c.1151G>A (p.Trp384Ter)

Gene: LMBRD2 (LMBR1 domain containing 2; minus strand). Cytogenetic location: 5p13.2.
Variant type: single nucleotide variant.
Coding change: c.1151G>A on transcript NM_001007527.2 (MANE Select); coding-DNA position 1151, G replaced by A.
Protein change: p.Trp384Ter; replaces tryptophan 384 with a stop codon.
Molecular consequence: nonsense.
Genome position (GRCh38, 1-based): chr5:36,117,886, C>T on the plus strand (G>A on the coding strand, the complement: LMBRD2 is on the minus strand). VCF-style: chr5-36117886-C-T. GRCh37 (hg19) VCF-style: chr5-36117988-C-T.
Other names: short protein forms W384*.
Identifiers: ClinVar variation 1676559 (VCV001676559.3), dbSNP rs2111863749, ClinGen allele CA359445717.
Genomic context (GRCh38, chr5:36,117,886, plus strand): 5'-TCTGACCACACAACAATCACAGAGAAGATGGACAGAACCACAGCAAGTATCTTGTAAAAC[C>T]ATGGTCGCAAAAGACATTCCCAGTACCATTCTAGAAGACAAAAGAAAAAAATGATTAGGA-3'